The following is an entry in ClinVar:

NM_000492.4(CFTR):c.1210-1G>T

Genes: CFTR (CF transmembrane conductance regulator; plus strand), CFTR-AS1 (CFTR antisense RNA 1; minus strand). Cytogenetic location: 7q31.2.
Variant type: single nucleotide variant.
Coding change: c.1210-1G>T on transcript NM_000492.4 (MANE Select); the canonical splice acceptor site of the intron before coding-DNA position 1210, G replaced by T.
Molecular consequence: splice acceptor variant.
Genome position (GRCh38, 1-based): chr7:117,548,640, G>T. VCF-style: chr7-117548640-G-T. GRCh37 (hg19) VCF-style: chr7-117188694-G-T.
Identifiers: ClinVar variation 3336349 (VCV003336349.3).

ClinVar aggregate classification (germline): Pathogenic (1 of 4 stars; one submission).

Conditions:
Cystic fibrosis (CF). Also called: MUCOVISCIDOSIS. Identifiers: Orphanet 586, MedGen C0010674, MONDO:0009061, OMIM 219700. Disease mechanism: loss of function.

Submission:

Women's Health and Genetics/Laboratory Corporation of America, LabCorp
Classification: Pathogenic for Cystic fibrosis. Last evaluated: 2026-01-20. Review status: criteria provided, single submitter. Criteria: LabCorp Variant Classification Summary - May 2015. Collection method: clinical testing. Allele origin: germline.
Comment: Variant summary: CFTR c.1210-1G>T is located in a canonical splice-site and is predicted to affect mRNA splicing resulting in a significantly altered protein due to either exon skipping, shortening, or inclusion of intronic material. Variants that disrupt the consensus splice site are a relatively common cause of aberrant splicing and loss of CFTR function. Several computational tools predict a significant impact on normal splicing: Four predict the variant abolishes a canonical 3' acceptor site. However, these predictions have yet to be confirmed by functional studies. The variant was absent in 246874 control chromosomes. c.1210-1G>T has been reported in the literature in at least one individual with unspecified zygosity affected with Cystic Fibrosis (Schrijver_2016). The following publication has been ascertained in the context of this evaluation (PMID: 26708955). ClinVar contains an entry for this variant (Variation ID: 3336349). Based on the evidence outlined above, the variant was classified as pathogenic.

Literature cited by the submitters: PubMed 26708955.